The following is an entry in ClinVar:

ClinVar aggregate classification (germline): Uncertain significance (1 of 4 stars; one submission).

gnomAD v4.1: 16 of 1,608,290 alleles (0.00099%); highest among the groups gnomAD compares: Non-Finnish European, 0.0014%; no homozygotes.

Submission:

Labcorp Genetics (formerly Invitae), Labcorp
Classification: Uncertain significance. Last evaluated: 2025-07-05. Review status: criteria provided, single submitter. Criteria: Invitae Variant Classification Sherloc (09022015). Collection method: clinical testing. Allele origin: germline.
Comment: This sequence change replaces aspartic acid, which is acidic and polar, with asparagine, which is neutral and polar, at codon 158 of the PLG protein (p.Asp158Asn). This variant is present in population databases (rs141045811, gnomAD 0.0009%). This variant has not been reported in the literature in individuals affected with PLG-related conditions. Invitae Evidence Modeling of protein sequence and biophysical properties (such as structural, functional, and spatial information, amino acid conservation, physicochemical variation, residue mobility, and thermodynamic stability) indicates that this missense variant is not expected to disrupt PLG protein function with a negative predictive value of 95%. In summary, the available evidence is currently insufficient to determine the role of this variant in disease. Therefore, it has been classified as a Variant of Uncertain Significance.

NM_000301.5(PLG):c.472G>A (p.Asp158Asn)

Gene: PLG (plasminogen; plus strand). Cytogenetic location: 6q26.
Variant type: single nucleotide variant.
Coding change: c.472G>A on transcript NM_000301.5 (MANE Select); coding-DNA position 472, G replaced by A.
Protein change: p.Asp158Asn; replaces aspartic acid 158 with asparagine.
Molecular consequence: missense variant.
Genome position (GRCh38, 1-based): chr6:160,713,050, G>A. VCF-style: chr6-160713050-G-A. GRCh37 (hg19) VCF-style: chr6-161134082-G-A.
Other names: short protein forms D158N.
Identifiers: ClinVar variation 4692305 (VCV004692305.1).